The following is an entry in ClinVar:

ClinVar aggregate classification (germline): Uncertain significance (1 of 4 stars; one submission).

gnomAD v4.1: 16 of 1,554,744 alleles (0.001%); highest among the groups gnomAD compares: Non-Finnish European, 0.0013%; no homozygotes.

Submission:

Labcorp Genetics (formerly Invitae), Labcorp
Classification: Uncertain significance. Last evaluated: 2024-09-08. Review status: criteria provided, single submitter. Criteria: Invitae Variant Classification Sherloc (09022015). Collection method: clinical testing. Allele origin: germline.
Comment: This sequence change replaces tyrosine, which is neutral and polar, with cysteine, which is neutral and slightly polar, at codon 29 of the IMPG1 protein (p.Tyr29Cys). This variant is present in population databases (rs142873184, gnomAD 0.0009%). This variant has not been reported in the literature in individuals affected with IMPG1-related conditions. An algorithm developed to predict the effect of missense changes on protein structure and function (PolyPhen-2) suggests that this variant is likely to be tolerated. In summary, the available evidence is currently insufficient to determine the role of this variant in disease. Therefore, it has been classified as a Variant of Uncertain Significance.

NM_001563.4(IMPG1):c.86A>G (p.Tyr29Cys)

Gene: IMPG1 (interphotoreceptor matrix proteoglycan 1; minus strand). Cytogenetic location: 6q14.1.
Variant type: single nucleotide variant.
Coding change: c.86A>G on transcript NM_001563.4 (MANE Select); coding-DNA position 86, A replaced by G.
Protein change: p.Tyr29Cys; replaces tyrosine 29 with cysteine.
Molecular consequence: missense variant. On other transcripts: intron variant (1).
Genome position (GRCh38, 1-based): chr6:76,042,108, T>C on the plus strand (A>G on the coding strand, the complement: IMPG1 is on the minus strand). VCF-style: chr6-76042108-T-C. GRCh37 (hg19) VCF-style: chr6-76751825-T-C.
Other names: c.68-7321A>G (NM_001282368.2); short protein forms Y29C.
Identifiers: ClinVar variation 3611984 (VCV003611984.2).